The following is an entry in ClinVar:

ClinVar aggregate classification (germline): Uncertain significance (1 of 4 stars; one submission).

Conditions:
T-B+ severe combined immunodeficiency due to JAK3 deficiency. Also called: SCID, T CELL-NEGATIVE, B CELL-POSITIVE, NK CELL-NEGATIVE; SCID, autosomal recessive, T-negative/B-positive type. Identifiers: Orphanet 35078, MedGen C1833275, MONDO:0010938, OMIM 600802.

Submission:

Labcorp Genetics (formerly Invitae), Labcorp
Classification: Uncertain significance for T-B+ severe combined immunodeficiency due to JAK3 deficiency. Last evaluated: 2023-11-01. Review status: criteria provided, single submitter. Criteria: Invitae Variant Classification Sherloc (09022015). Collection method: clinical testing. Allele origin: germline.
Comment: This sequence change replaces serine, which is neutral and polar, with phenylalanine, which is neutral and non-polar, at codon 782 of the JAK3 protein (p.Ser782Phe). This variant is not present in population databases (gnomAD no frequency). This variant has not been reported in the literature in individuals affected with JAK3-related conditions. ClinVar contains an entry for this variant (Variation ID: 2156169). Advanced modeling of protein sequence and biophysical properties (such as structural, functional, and spatial information, amino acid conservation, physicochemical variation, residue mobility, and thermodynamic stability) has been performed at Invitae for this missense variant, however the output from this modeling did not meet the statistical confidence thresholds required to predict the impact of this variant on JAK3 protein function. In summary, the available evidence is currently insufficient to determine the role of this variant in disease. Therefore, it has been classified as a Variant of Uncertain Significance.

NM_000215.4(JAK3):c.2345C>T (p.Ser782Phe)

Gene: JAK3 (Janus kinase 3; minus strand). Cytogenetic location: 19p13.11.
Variant type: single nucleotide variant.
Coding change: c.2345C>T on transcript NM_000215.4 (MANE Select); coding-DNA position 2345, C replaced by T.
Protein change: p.Ser782Phe; replaces serine 782 with phenylalanine.
Molecular consequence: missense variant.
Genome position (GRCh38, 1-based): chr19:17,834,576, G>A on the plus strand (C>T on the coding strand, the complement: JAK3 is on the minus strand). VCF-style: chr19-17834576-G-A. GRCh37 (hg19) VCF-style: chr19-17945385-G-A.
Other names: short protein forms S782F.
Identifiers: ClinVar variation 2156169 (VCV002156169.4), dbSNP rs377654680, ClinGen allele CA306129454.
Genomic context (GRCh38, chr19:17,834,576, plus strand): 5'-ACTGGGCCCAATATGACATCACAGCCCTCCCCACCCAACCCGTCCCAGCGGGCACCTGAA[G>A]AGATGAGGCTATTGAGGTCACGAATGACGGCTCGGAAGGAGGGCCTCTGGACCGGCTCAT-3'
Protein context (NP_000206.2, residues 772-792): AVIRDLNSLI[Ser782Phe]SDYELLSDPT